The following is an entry in ClinVar:

NM_032776.3(JMJD1C):c.671A>C (p.Asn224Thr)

Gene: JMJD1C (jumonji domain containing 1C; minus strand). Cytogenetic location: 10q21.3.
Variant type: single nucleotide variant.
Coding change: c.671A>C on transcript NM_032776.3 (MANE Select); coding-DNA position 671, A replaced by C.
Protein change: p.Asn224Thr; replaces asparagine 224 with threonine.
Molecular consequence: missense variant. On other transcripts: 5 prime UTR variant (1), non-coding transcript variant (1).
Genome position (GRCh38, 1-based): chr10:63,217,214, T>G on the plus strand (A>C on the coding strand, the complement: JMJD1C is on the minus strand). VCF-style: chr10-63217214-T-G. GRCh37 (hg19) VCF-style: chr10-64976974-T-G.
Other names: c.125A>C, p.Asn42Thr (NM_001282948.2, NM_001318154.2); c.-198A>C (NM_001318153.2); c.557A>C, p.Asn186Thr (NM_001322252.2); c.14A>C, p.Asn5Thr (NM_001322254.2, NM_001322258.2); short protein forms N186T, N42T, N5T, N224T.
Identifiers: ClinVar variation 2115604 (VCV002115604.4), dbSNP rs2492822459, ClinGen allele CA377053647.

ClinVar aggregate classification (germline): Uncertain significance (1 of 4 stars; one submission).

Conditions:
Early Myoclonic Encephalopathy. Identifiers: MedGen C0270855.

Submission:

Labcorp Genetics (formerly Invitae), Labcorp
Classification: Uncertain significance for Early Myoclonic Encephalopathy. Last evaluated: 2022-08-15. Review status: criteria provided, single submitter. Criteria: Invitae Variant Classification Sherloc (09022015). Collection method: clinical testing. Allele origin: germline.
Comment: In summary, the available evidence is currently insufficient to determine the role of this variant in disease. Therefore, it has been classified as a Variant of Uncertain Significance. Algorithms developed to predict the effect of missense changes on protein structure and function are either unavailable or do not agree on the potential impact of this missense change (SIFT: "Tolerated"; PolyPhen-2: "Possibly Damaging"; Align-GVGD: "Class C0"). This variant has not been reported in the literature in individuals affected with JMJD1C-related conditions. This variant is not present in population databases (gnomAD no frequency). This sequence change replaces asparagine, which is neutral and polar, with threonine, which is neutral and polar, at codon 224 of the JMJD1C protein (p.Asn224Thr).